The following is an entry in ClinVar:

ClinVar aggregate classification (germline): Pathogenic/Likely pathogenic. Review status: criteria provided, multiple submitters, no conflicts (2 of 4 stars). 5 submissions from 5 submitters: Pathogenic (3); Likely pathogenic (2). Last evaluated 2026-08-28.

Conditions:
Intellectual developmental disorder, autosomal dominant 52. Also called: Intellectual disability, autosomal dominant 52; Mental retardation, autosomal dominant 52. Identifiers: MedGen C4540478, MONDO:0030918, OMIM 617796.

Submissions (5):

Institute of Medical Genetics and Applied Genomics, University Hospital Tübingen
Classification: Likely pathogenic for Intellectual developmental disorder, autosomal dominant 52. Last evaluated: 2026-08-28. Review status: criteria provided, single submitter. Criteria: ACMG Guidelines, 2015. Collection method: clinical testing. Allele origin: de novo. Inheritance: Autosomal dominant inheritance. Affected: yes.

Institute of Human Genetics, University of Leipzig Medical Center
Classification: Pathogenic for Intellectual developmental disorder, autosomal dominant 52. Last evaluated: 2025-11-03. Review status: criteria provided, single submitter. Criteria: ACMG Guidelines, 2015. Collection method: clinical testing. Allele origin: unknown. Inheritance: Autosomal dominant inheritance. Affected: yes.
Comment: Criteria applied: PVS1,PS2_VSTR,PS4_MOD,PM2

3billion
Classification: Pathogenic for Intellectual developmental disorder, autosomal dominant 52. Last evaluated: 2025-06-20. Review status: criteria provided, single submitter. Criteria: ACMG Guidelines, 2015. Collection method: clinical testing. Allele origin: germline. Affected: yes.
Comment: The variant is not observed in the gnomAD v4.1.0 dataset. Predicted Consequence/Location: Frameshift: predicted to result in a loss or disruption of normal protein function through nonsense-mediated decay (NMD) or protein truncation. Multiple pathogenic variants are reported downstream of the variant. The variant has been reported to be associated with ASH1L-related disorder (3billion dataset). Therefore, this variant is classified as Pathogenic according to the recommendation of ACMG/AMP guideline.

Dasa
Classification: Likely pathogenic. Last evaluated: 2025-05-20. Review status: criteria provided, single submitter. Criteria: DASA Assertion Criteria. Collection method: clinical testing. Allele origin: germline.
Comment: NM_018489.3(ASH1L):c.4039_4043del (p.Lys1347Glufs*7) is a frameshift variant in ASH1L predicted to alter the reading frame and introduce a premature termination codon and is predicted to result in an absent or altered protein product. Loss of function is an established disease mechanism for ASH1L (PMID: 28191889; PMID: 25363760; PMID: 28263302). Also, this variant is absent from population databases. Based on the currently available evidence, this variant is classified as likely pathogenic.

Juno Genomics, Hangzhou Juno Genomics, Inc
Classification: Pathogenic for Intellectual developmental disorder, autosomal dominant 52. Review status: criteria provided, single submitter. Criteria: ACMG Guidelines, 2015. Collection method: clinical testing. Allele origin: germline. Affected: yes.
Comment: Absent from controls (or at extremely low frequency if recessive) in Genome Aggregation Database.;Null variant in a gene where loss of function (LOF) is a known mechanism of disease.;The prevalence of the variant in affected individuals is significantly increased compared to the prevalence in controls.

Literature cited by the submitters: PubMed 28191889 (cited by Dasa); PubMed 25363760 (cited by Dasa); PubMed 28263302 (cited by Dasa).

NM_018489.3(ASH1L):c.4039_4043del (p.Lys1347fs)

Gene: ASH1L (ASH1 like histone lysine methyltransferase; minus strand). Cytogenetic location: 1q22.
Variant type: Deletion.
Coding change: c.4039_4043del on transcript NM_018489.3 (MANE Select); coding-DNA positions 4039 to 4043, 5 bases deleted (AAAAA; older notation c.4039_4043delAAAAA).
Protein change: p.Lys1347fs; shifts the reading frame from lysine 1347.
Molecular consequence: frameshift variant.
Genome position (GRCh38, 1-based): chr1:155,478,827-155,478,831, TTTTT deleted on the plus strand (AAAAA on the coding strand, the reverse complement: ASH1L is on the minus strand); deleting any 5 consecutive bases within chr1:155,478,827-155,478,832 gives the same sequence; the c. name uses the placement nearest the transcript's 3' end. VCF-style (leftmost placement, unchanged base first): chr1-155478826-CTTTTT-C. GRCh37 (hg19) VCF-style: chr1-155448617-CTTTTT-C.
Other names: c.4039_4043del, p.Lys1347fs (NM_001366177.2); short protein forms K1347fs.
Identifiers: ClinVar variation 4293820 (VCV004293820.7).